The following is an entry in ClinVar:

ClinVar aggregate classification (germline): Pathogenic (1 of 4 stars; one submission).

Conditions:
Hereditary cancer-predisposing syndrome. Also called: Neoplastic Syndromes, Hereditary; Tumor predisposition; Hereditary Cancer Syndrome; Hereditary neoplastic syndrome. Identifiers: Orphanet 140162, MedGen C0027672, MeSH D009386, MONDO:0015356.

Submission:

Ambry Genetics
Classification: Pathogenic for Hereditary cancer-predisposing syndrome. Last evaluated: 2020-12-03. Review status: criteria provided, single submitter. Criteria: Ambry Variant Classification Scheme 2023. Collection method: clinical testing. Allele origin: germline.
Comment: The p.E537* pathogenic mutation (also known as c.1609G>T), located in coding exon 11 of the PMS2 gene, results from a G to T substitution at nucleotide position 1609. This changes the amino acid from a glutamic acid to a stop codon within coding exon 11. This alteration is expected to result in loss of function by premature protein truncation or nonsense-mediated mRNA decay. As such, this alteration is interpreted as a disease-causing mutation.

NM_000535.7(PMS2):c.1609G>T (p.Glu537Ter)

Gene: PMS2 (PMS1 homolog 2, mismatch repair system component; minus strand). Cytogenetic location: 7p22.1.
Variant type: single nucleotide variant.
Coding change: c.1609G>T on transcript NM_000535.7 (MANE Select); coding-DNA position 1609, G replaced by T.
Protein change: p.Glu537Ter; replaces glutamic acid 537 with a stop codon.
Molecular consequence: nonsense. On other transcripts: non-coding transcript variant (1).
Genome position (GRCh38, 1-based): chr7:5,987,156, C>A on the plus strand (G>T on the coding strand, the complement: PMS2 is on the minus strand). VCF-style: chr7-5987156-C-A. GRCh37 (hg19) VCF-style: chr7-6026787-C-A.
Other names: c.1609G>T, p.Glu537Ter (NM_001406871.1, NM_001406872.1, NM_001322014.2); c.1300G>T, p.Glu434Ter (NM_001322015.2, NM_001406875.1, NM_001406877.1 and 5 more transcripts); c.1795G>T, p.Glu599Ter (NM_001406866.1); c.676G>T, p.Glu226Ter (NM_001322012.2, NM_001322011.2); c.1036G>T, p.Glu346Ter (NM_001322013.2, NM_001406909.1); c.1633G>T, p.Glu545Ter (NM_001406868.1); c.1501G>T, p.Glu501Ter (NM_001406869.1); c.1453G>T, p.Glu485Ter (NM_001406870.1, NM_001322006.2); and 12 more; short protein forms E280*, E350*, E379*, E382*, E425*, E545*, E346*, E429*.
Identifiers: ClinVar variation 1776351 (VCV001776351.2), dbSNP rs115052399, ClinGen allele CA366741489.
Genomic context (GRCh38, chr7:5,987,156, plus strand): 5'-CTTCCTGGTTTGAATGGCAGTCCACATCTGAAAAAGAGTCGTCAGTTTTAGGCGCTTTCT[C>A]CTGAGAGTCCACATGTTCCTGCGAGCCCCTGTCCCCTGGGGAGCTGGCCGCATACTCGCT-3'